The following is an entry in ClinVar:

NM_015488.5(PNKD):c.463C>T (p.Gln155Ter)

Genes: CATIP-AS2 (CATIP antisense RNA 2; minus strand), PNKD (PNKD metallo-beta-lactamase domain containing; plus strand). Cytogenetic location: 2q35.
Variant type: single nucleotide variant.
Coding change: c.463C>T on transcript NM_015488.5 (MANE Select); coding-DNA position 463, C replaced by T.
Protein change: p.Gln155Ter; replaces glutamine 155 with a stop codon.
Molecular consequence: nonsense.
Genome position (GRCh38, 1-based): chr2:218,340,139, C>T. VCF-style: chr2-218340139-C-T. GRCh37 (hg19) VCF-style: chr2-219204862-C-T.
Other names: c.391C>T, p.Gln131Ter (NM_022572.5); short protein forms Q131*, Q155*.
Identifiers: ClinVar variation 3349158 (VCV003349158.1).

ClinVar aggregate classification (germline): Uncertain significance (0 of 4 stars; one submission).

Conditions:
PNKD-related disorder. Also called: PNKD-related condition.

Submission:

PreventionGenetics, part of Exact Sciences
Classification: Uncertain significance for PNKD-related condition. Last evaluated: 2024-04-23. Review status: no assertion criteria provided. Collection method: clinical testing. Allele origin: germline.
Comment: The PNKD c.463C>T variant is predicted to result in premature protein termination (p.Gln155*). To our knowledge, this variant has not been reported in the literature or in a large population database, indicating this variant is rare. At this time, the clinical significance of this variant is uncertain due to the absence of conclusive functional and genetic evidence.